The following is an entry in ClinVar:

ClinVar aggregate classification (germline): Uncertain significance (1 of 4 stars; one submission).

Conditions:
Familial cancer of breast. Also called: BREAST CANCER, FAMILIAL; Hereditary breast cancer; hereditary breast carcinoma. Identifiers: Orphanet 227535, MedGen C0346153, MONDO:0016419, OMIM 114480. Disease mechanism: loss of function.

Submission:

Labcorp Genetics (formerly Invitae), Labcorp
Classification: Uncertain significance for Familial cancer of breast. Last evaluated: 2021-11-05. Review status: criteria provided, single submitter. Criteria: Invitae Variant Classification Sherloc (09022015). Collection method: clinical testing. Allele origin: germline.
Comment: Variants that disrupt the consensus splice site are a relatively common cause of aberrant splicing (PMID: 17576681, 9536098). Algorithms developed to predict the effect of sequence changes on RNA splicing suggest that this variant may disrupt the consensus splice site. This variant has not been reported in the literature in individuals affected with CHEK2-related conditions. This variant is not present in population databases (gnomAD no frequency). This sequence change falls in intron 7 of the CHEK2 gene. It does not directly change the encoded amino acid sequence of the CHEK2 protein. It affects a nucleotide within the consensus splice site. In summary, the available evidence is currently insufficient to determine the role of this variant in disease. Therefore, it has been classified as a Variant of Uncertain Significance.

Literature cited by the submitters: PubMed 17576681; PubMed 9536098.

NM_007194.4(CHEK2):c.846+3A>T

Gene: CHEK2 (checkpoint kinase 2; minus strand). Cytogenetic location: 22q12.1.
Variant type: single nucleotide variant.
Coding change: c.846+3A>T on transcript NM_007194.4 (MANE Select); 3 bases into the intron after coding-DNA position 846, A replaced by T.
Molecular consequence: intron variant.
Genome position (GRCh38, 1-based): chr22:28,710,003, T>A on the plus strand (A>T on the coding strand, the complement: CHEK2 is on the minus strand). VCF-style: chr22-28710003-T-A. GRCh37 (hg19) VCF-style: chr22-29105991-T-A.
Other names: c.183+3A>T (NM_001437942.1, NM_001257387.3); c.645+3A>T (NM_001349956.3); c.846+3A>T (NM_145862.3); c.939+3A>T (NM_001438295.1, NM_001438293.1); c.975+3A>T (NM_001438294.1, NM_001005735.3).
Identifiers: ClinVar variation 1492110 (VCV001492110.7), dbSNP rs1476026799, ClinGen allele CA2573157939.